The following is an entry in ClinVar:

ClinVar aggregate classification (germline): Uncertain significance. Review status: criteria provided, multiple submitters, no conflicts (2 of 4 stars). 4 submissions from 4 submitters: Uncertain significance (4). Last evaluated 2024-05-20.

Conditions:
Developmental and epileptic encephalopathy, 64. Also called: EPILEPTIC ENCEPHALOPATHY, EARLY INFANTILE, 64. Identifiers: MedGen C4693899, MONDO:0033373, OMIM 618004.
Inborn genetic diseases. Identifiers: MedGen C0950123, MeSH D030342.

Allele frequency attached by ClinVar (database versions not stated): ExAC 0.00001; gnomAD 0.00001; gnomAD exomes 0.00001 and 0.00003; TOPMed 0.00002.
gnomAD v4.1: 38 of 1,614,064 alleles (0.0024%); highest among the groups gnomAD compares: Admixed American, 0.0033%; no homozygotes.

Submissions (4):

Ambry Genetics
Classification: Uncertain significance for Inborn genetic diseases. Last evaluated: 2024-05-20. Review status: criteria provided, single submitter. Criteria: Ambry Variant Classification Scheme 2023. Collection method: clinical testing. Allele origin: germline.

Labcorp Genetics (formerly Invitae), Labcorp
Classification: Uncertain significance. Last evaluated: 2023-12-28. Review status: criteria provided, single submitter. Criteria: Invitae Variant Classification Sherloc (09022015). Collection method: clinical testing. Allele origin: germline.
Comment: This sequence change replaces arginine, which is basic and polar, with tryptophan, which is neutral and slightly polar, at codon 702 of the RHOBTB2 protein (p.Arg702Trp). This variant is present in population databases (rs767630251, gnomAD 0.006%). This variant has not been reported in the literature in individuals affected with RHOBTB2-related conditions. ClinVar contains an entry for this variant (Variation ID: 1098681). Advanced modeling of protein sequence and biophysical properties (such as structural, functional, and spatial information, amino acid conservation, physicochemical variation, residue mobility, and thermodynamic stability) has been performed at Invitae for this missense variant, however the output from this modeling did not meet the statistical confidence thresholds required to predict the impact of this variant on RHOBTB2 protein function. In summary, the available evidence is currently insufficient to determine the role of this variant in disease. Therefore, it has been classified as a Variant of Uncertain Significance.

Neuberg Centre For Genomic Medicine, NCGM
Classification: Uncertain significance for Developmental and epileptic encephalopathy, 64. Last evaluated: 2023-02-14. Review status: criteria provided, single submitter. Criteria: ACMG Guidelines, 2015. Collection method: clinical testing. Allele origin: germline. Inheritance: Autosomal dominant inheritance. Affected: yes.
Comment: The missense c.2038C>T(p.Arg680Trp) variant in RHOBTB2 gene has not been reported previously as a pathogenic variant nor as a benign variant, to our knowledge. The variant is reported with an allele frequency of 0.001% in the gnomAD exomes database and is novel (not in any individuals) in 1000 Genomes database. This variant has been reported to the ClinVar database as Uncertain significance. The amino acid change p.Arg680Trp in RHOBTB2 is predicted as conserved by PhyloP across 100 vertebrates. The amino acid Arg at position 680 is changed to a Trp changing protein sequence and it might alter its composition and physico-chemical properties. For these reasons, this variant has been classified as Variant of Uncertain Significance (VUS).

New York Genome Center
Classification: Uncertain significance for Developmental and epileptic encephalopathy, 64. Last evaluated: 2020-06-12. Review status: criteria provided, single submitter. Criteria: NYGC Assertion Criteria 2020. Collection method: clinical testing. Allele origin: germline. Observed: 1 heterozygote. Study: CSER-NYCKidSeq.

NM_015178.3(RHOBTB2):c.2038C>T (p.Arg680Trp)

Gene: RHOBTB2 (Rho related BTB domain containing 2; plus strand). Cytogenetic location: 8p21.3.
Variant type: single nucleotide variant.
Coding change: c.2038C>T on transcript NM_015178.3 (MANE Select); coding-DNA position 2038, C replaced by T.
Protein change: p.Arg680Trp; replaces arginine 680 with tryptophan.
Molecular consequence: missense variant.
Genome position (GRCh38, 1-based): chr8:23,017,323, C>T. VCF-style: chr8-23017323-C-T. GRCh37 (hg19) VCF-style: chr8-22874836-C-T.
Other names: c.2104C>T, p.Arg702Trp (NM_001160036.2); c.2059C>T, p.Arg687Trp (NM_001160037.2); c.2038C>T, p.Arg680Trp (NM_001374791.1); c.2104C>T (NM_001160036.1); short protein forms R680W, R687W, R702W.
Identifiers: ClinVar variation 1098681 (VCV001098681.10), dbSNP rs767630251, ClinGen allele CA4672848.